The following is an entry in ClinVar:

NM_001291415.2(KDM6A):c.3588A>G (p.Pro1196=)

Gene: KDM6A (lysine demethylase 6A; plus strand). Cytogenetic location: Xp11.3.
Variant type: single nucleotide variant.
Coding change: c.3588A>G on transcript NM_001291415.2 (MANE Select); coding-DNA position 3588, A replaced by G.
Protein change: p.Pro1196=; no amino-acid change (proline 1196 retained).
Molecular consequence: synonymous variant. On other transcripts: non-coding transcript variant (1).
Genome position (GRCh38, 1-based): chrX:45,083,607, A>G. VCF-style: chrX-45083607-A-G. GRCh37 (hg19) VCF-style: chrX-44942852-A-G.
Other names: NC_000023.10:g.44942852A>G; c.3453A>G, p.Pro1151= (NM_001291416.2); c.3297A>G, p.Pro1099= (NM_001291417.2); c.3195A>G, p.Pro1065= (NM_001291418.2); c.2544A>G, p.Pro848= (NM_001291421.2); c.3432A>G, p.Pro1144= (NM_021140.4).
Identifiers: ClinVar variation 1304029 (VCV001304029.3), dbSNP rs2148154612, ClinGen allele CA515977635.

ClinVar aggregate classification (germline): Uncertain significance (1 of 4 stars; one submission).

gnomAD v4.1: 2 of 1,204,459 alleles (0.00017%); highest among the groups gnomAD compares: Non-Finnish European, 0.00023%; no homozygotes.

Submissions (3):

GeneDx
Classification: Uncertain significance. Last evaluated: 2018-12-26. Review status: criteria provided, single submitter. Criteria: GeneDx Variant Classification Process June 2021. Collection method: clinical testing. Allele origin: germline. Affected: yes.
Comment: Not observed in large population cohorts (Lek et al., 2016); In silico analysis, which includes splice predictors and evolutionary conservation, supports a deleterious effect; Has not been previously published as pathogenic or benign to our knowledge

Dr. Peter K. Rogan Lab, Western University
No classification provided (evidence only). Condition: Thyroid cancer, nonmedullary, 1. Review status: no classification provided. Collection method: in vitro. Allele origin: not applicable. Functional consequence: retained intron. Not counted in ClinVar's aggregate classification.

Dr. Peter K. Rogan Lab, Western University
No classification provided (evidence only). Condition: Nonpapillary renal cell carcinoma. Review status: no classification provided. Collection method: in vitro. Allele origin: not applicable. Functional consequence: retained intron. Not counted in ClinVar's aggregate classification.